The following is an entry in ClinVar:

NM_002519.3(NPAT):c.2309C>G (p.Thr770Ser)

Gene: NPAT (nuclear protein, coactivator of histone transcription; minus strand). Cytogenetic location: 11q22.3.
Variant type: single nucleotide variant.
Coding change: c.2309C>G on transcript NM_002519.3 (MANE Select); coding-DNA position 2309, C replaced by G.
Protein change: p.Thr770Ser; replaces threonine 770 with serine.
Molecular consequence: missense variant.
Genome position (GRCh38, 1-based): chr11:108,172,675, G>C on the plus strand (C>G on the coding strand, the complement: NPAT is on the minus strand). VCF-style: chr11-108172675-G-C. GRCh37 (hg19) VCF-style: chr11-108043402-G-C.
Other names: c.2309C>G, p.Thr770Ser (NM_001321307.1); short protein forms T770S.
Identifiers: ClinVar variation 1789394 (VCV001789394.2), dbSNP rs1283481700, ClinGen allele CA382513247.

ClinVar aggregate classification (germline): Uncertain significance (1 of 4 stars; one submission).

gnomAD v4.1: 1 of 1,613,924 alleles (0.000062%); highest among the groups gnomAD compares: Non-Finnish European, 0.000085%; no homozygotes.

Submission:

Ambry Genetics
Classification: Uncertain significance. Last evaluated: 2022-07-19. Review status: criteria provided, single submitter. Criteria: Ambry Variant Classification Scheme 2023. Collection method: clinical testing. Allele origin: germline.
Comment: The p.T770S variant (also known as c.2309C>G), located in coding exon 13 of the NPAT gene, results from a C to G substitution at nucleotide position 2309. The threonine at codon 770 is replaced by serine, an amino acid with similar properties. This amino acid position is conserved. In addition, this alteration is predicted to be tolerated by in silico analysis. Since supporting evidence is limited at this time, the clinical significance of this alteration remains unclear.